The following is an entry in ClinVar:

NM_021957.4(GYS2):c.942-42_974del

Gene: GYS2 (glycogen synthase 2; minus strand). Cytogenetic location: 12p12.1.
Variant type: Deletion.
Coding change: c.942-42_974del on transcript NM_021957.4 (MANE Select); 42 bases into the intron before coding-DNA position 942 through coding-DNA position 974, 75 bases deleted.
Molecular consequence: splice acceptor variant.
Genome position (GRCh38, 1-based): chr12:21,563,006-21,563,080, 75 bases deleted. GRCh37 (hg19): chr12:21,715,944-21,716,018.
Other names: c.942-42_974delGCTGTATTTCATTTGAAACTGTTTGGTTTTGTTTTGTTTTAGTCATCTCGACTTTGATCTTGAAAAGACTTTGTT (NM_021957.3).
Identifiers: ClinVar variation 214537 (VCV000214537.2), dbSNP rs1555156695, ClinGen allele CA322856.

ClinVar aggregate classification (germline): Pathogenic (1 of 4 stars; one submission).

Submission:

GeneDx
Classification: Pathogenic. Last evaluated: 2013-10-04. Review status: criteria provided, single submitter. Criteria: GeneDx Variant Classification (06012015). Collection method: clinical testing. Allele origin: germline. Affected: yes.
Comment: c.942-42_974delGCTGTATTTCATTTGAAACTGTTTGGTTTTGTTTTGTTTTAGTCATCTCGACTTTGATCTTGAAAAGACTTTGTT in exon 7 of the GYS2 gene (NM_021957.3). The normal sequence with the bases that are deleted in braces is: tggt{delGCTGTATTTCATTTGAAACTGTTTGGTTTTGTTTTGTTTTAGTCATCTCGACTTTGATCTTGAAAAGACTTTGTT}CCTT with the intronic bases in lower case and the exonic bases in upper case. The c.942-42_974del75 splice site mutation in the GYS2 gene destroys the canonical splice acceptor site in intron 6. It is predicted to cause abnormal gene splicing, either leading to an abnormal message that is subject to nonsense-mediated mRNA decay, or to an abnormal protein product if the message is used for protein translation. Although this mutation has not been previously reported to our knowledge, it is expected to be a pathogenic mutation. The variant is found in MITONUC-MITOP panel(s).